The following is an entry in ClinVar:

ClinVar aggregate classification (germline): Conflicting classifications of pathogenicity. Review status: criteria provided, conflicting classifications (1 of 4 stars). 10 submissions from 10 submitters: Uncertain significance (8); Likely benign (1). 1 of the submissions does not count toward it. Last evaluated 2026-01-04.

Conditions:
Hereditary cancer-predisposing syndrome. Also called: Hereditary Cancer Syndrome; Neoplastic Syndromes, Hereditary; Tumor predisposition; Hereditary neoplastic syndrome. Identifiers: Orphanet 140162, MedGen C0027672, MeSH D009386, MONDO:0015356.
Ataxia-telangiectasia syndrome (AT). Also called: Ataxia telangiectasia (A-T); Ataxia-telangiectasia, complementation group E; LOUIS-BAR SYNDROME; Cerebello-oculocutaneous telangiectasia; Immunodeficiency with ataxia telangiectasia; Ataxia-telangiectasia, complementation group D. Identifiers: Orphanet 100, MedGen C0004135, MONDO:0008840, OMIM 208900.
Familial cancer of breast. Also called: Hereditary breast cancer; hereditary breast carcinoma; BREAST CANCER, FAMILIAL. Identifiers: Orphanet 227535, MedGen C0346153, MONDO:0016419, OMIM 114480. Disease mechanism: loss of function.
ATM-related disorder. Also called: ATM-related disorders; ATM-related condition.

Allele frequency attached by ClinVar (database versions not stated): gnomAD exomes below 0.00001 and 0.00001; gnomAD 0.00001; TOPMed 0.00001.
gnomAD v4.1: 7 of 1,613,434 alleles (0.00043%); highest among the groups gnomAD compares: Non-Finnish European, 0.00059%; no homozygotes.

Submissions (10):

Labcorp Genetics (formerly Invitae), Labcorp
Classification: Uncertain significance for Ataxia-telangiectasia syndrome. Last evaluated: 2026-01-04. Review status: criteria provided, single submitter. Criteria: Invitae Variant Classification Sherloc (09022015). Collection method: clinical testing. Allele origin: germline.
Comment: This sequence change replaces serine, which is neutral and polar, with glycine, which is neutral and non-polar, at codon 1490 of the ATM protein (p.Ser1490Gly). This variant is present in population databases (no rsID available, gnomAD 0.003%). This missense change has been observed in individual(s) with melanoma and/or renal clear cell carcinoma (PMID: 26689913, 34262154). ClinVar contains an entry for this variant (Variation ID: 230691). Invitae Evidence Modeling of protein sequence and biophysical properties (such as structural, functional, and spatial information, amino acid conservation, physicochemical variation, residue mobility, and thermodynamic stability) indicates that this missense variant is not expected to disrupt ATM protein function with a negative predictive value of 95%. In summary, the available evidence is currently insufficient to determine the role of this variant in disease. Therefore, it has been classified as a Variant of Uncertain Significance.

Ambry Genetics
Classification: Uncertain significance for Hereditary cancer-predisposing syndrome. Last evaluated: 2025-07-15. Review status: criteria provided, single submitter. Criteria: Ambry Variant Classification Scheme 2023. Collection method: clinical testing. Allele origin: germline.
Comment: The p.S1490G variant (also known as c.4468A>G), located in coding exon 29 of the ATM gene, results from an A to G substitution at nucleotide position 4468. The serine at codon 1490 is replaced by glycine, an amino acid with similar properties. This amino acid position is well conserved in available vertebrate species. In addition, this alteration is predicted to be tolerated by in silico analysis. Based on the available evidence, the clinical significance of this variant remains unclear.

Myriad Genetics, Inc.
Classification: Likely benign for Familial cancer of breast. Last evaluated: 2024-05-20. Review status: criteria provided, single submitter. Criteria: Myriad Autosomal Dominant, Autosomal Recessive and X-Linked Classification Criteria (2023). Collection method: clinical testing. Allele origin: unknown.
Comment: This variant is considered likely benign. This variant is strongly associated with less severe personal and family histories of cancer, typical for individuals without pathogenic variants in this gene [PMID: 25085752].

GeneDx
Classification: Uncertain significance. Last evaluated: 2024-04-05. Review status: criteria provided, single submitter. Criteria: GeneDx Variant Classification Process June 2021. Collection method: clinical testing. Allele origin: germline. Affected: yes.
Comment: Not observed at significant frequency in large population cohorts (gnomAD); In silico analysis indicates that this missense variant does not alter protein structure/function; This variant is associated with the following publications: (PMID: 29684080, 26689913, 34262154)

Color Diagnostics, LLC DBA Color Health
Classification: Uncertain significance for Hereditary cancer-predisposing syndrome. Last evaluated: 2023-11-13. Review status: criteria provided, single submitter. Criteria: ACMG Guidelines, 2015. Collection method: clinical testing. Allele origin: germline.
Comment: This missense variant replaces serine with glycine at codon 1490 of the ATM protein. Computational prediction suggests that this variant may not impact protein structure and function (internally defined REVEL score threshold <= 0.5, PMID: 27666373). To our knowledge, functional studies have not been reported for this variant. This variant has been reported in an individual affected with renal clear cell carcinoma (PMID: 26689913). This variant has been identified in 2/251292 chromosomes in the general population by the Genome Aggregation Database (gnomAD). The available evidence is insufficient to determine the role of this variant in disease conclusively. Therefore, this variant is classified as a Variant of Uncertain Significance.

PreventionGenetics, part of Exact Sciences
Classification: Uncertain significance for ATM-related condition. Last evaluated: 2023-06-01. Review status: criteria provided, single submitter. Criteria: ACMG Guidelines, 2015. Collection method: clinical testing. Allele origin: germline.
Comment: The ATM c.4468A>G variant is predicted to result in the amino acid substitution p.Ser1490Gly. This variant has been reported in an individual with kidney renal clear cell carcinoma (Table S12, Lu et al. 2015. PubMed ID: 26689913). This variant is reported in 2 of ~251,000 alleles in gnomAD. It is interpreted as uncertain significance in ClinVar. At this time, the clinical significance of this variant is uncertain due to the absence of conclusive functional and genetic evidence.

Department of Pathology and Laboratory Medicine, Sinai Health System
Classification: Uncertain significance for Familial cancer of breast. Last evaluated: 2023-03-01. Review status: criteria provided, single submitter. Criteria: ACMG Guidelines, 2015. Collection method: clinical testing. Allele origin: germline. Affected: yes.

Mendelics
Classification: Uncertain significance. Last evaluated: 2022-05-04. Review status: criteria provided, single submitter. Criteria: Mendelics Assertion Criteria 2019. Collection method: clinical testing. Allele origin: germline.

Fulgent Genetics
Classification: Uncertain significance for Familial cancer of breast; Ataxia-telangiectasia syndrome. Last evaluated: 2022-04-14. Review status: criteria provided, single submitter. Criteria: ACMG Guidelines, 2015. Collection method: clinical testing. Allele origin: unknown.

Natera, Inc.
Classification: Uncertain significance for Ataxia-telangiectasia. Last evaluated: 2020-09-16. Review status: no assertion criteria provided. Collection method: clinical testing. Allele origin: germline. Not counted in ClinVar's aggregate classification.

Literature cited by the submitters: PubMed 26689913 (cited by 4 submitters); PubMed 34262154 (cited by Labcorp Genetics (formerly Invitae), Labcorp); PubMed 25085752 (cited by Myriad Genetics, Inc.); PubMed 33471991 (cited by Department of Pathology and Laboratory Medicine, Sinai Health System).

NM_000051.4(ATM):c.4468A>G (p.Ser1490Gly)

Gene: ATM (ATM serine/threonine kinase; plus strand). Cytogenetic location: 11q22.3.
Variant type: single nucleotide variant.
Coding change: c.4468A>G on transcript NM_000051.4 (MANE Select); coding-DNA position 4468, A replaced by G.
Protein change: p.Ser1490Gly; replaces serine 1490 with glycine.
Molecular consequence: missense variant.
Genome position (GRCh38, 1-based): chr11:108,292,650, A>G. VCF-style: chr11-108292650-A-G. GRCh37 (hg19) VCF-style: chr11-108163377-A-G.
Other names: c.4468A>G, p.Ser1490Gly (NM_001351834.2); c.4468A>G (NM_000051.2); short protein forms S1490G.
Identifiers: ClinVar variation 230691 (VCV000230691.27), dbSNP rs876658711, ClinGen allele CA10579151.